The following is an entry in ClinVar:

NM_001364171.2(ODAD1):c.1186C>T (p.Arg396Cys)

Gene: ODAD1 (outer dynein arm docking complex subunit 1; minus strand). Cytogenetic location: 19q13.33.
Variant type: single nucleotide variant.
Coding change: c.1186C>T on transcript NM_001364171.2 (MANE Select); coding-DNA position 1186, C replaced by T.
Protein change: p.Arg396Cys; replaces arginine 396 with cysteine.
Molecular consequence: missense variant.
Genome position (GRCh38, 1-based): chr19:48,302,748, G>A on the plus strand (C>T on the coding strand, the complement: ODAD1 is on the minus strand). VCF-style: chr19-48302748-G-A. GRCh37 (hg19) VCF-style: chr19-48806005-G-A.
Other names: c.1075C>T, p.Arg359Cys (NM_144577.4); short protein forms R359C, R396C.
Identifiers: ClinVar variation 581376 (VCV000581376.10), dbSNP rs373501045, ClinGen allele CA9548789.
Genomic context (GRCh38, chr19:48,302,748, plus strand): 5'-GCTCACCAGCCTTGAGCTTCTCCAGCTGTCCCCGCACATCCTGGAAGCGGGCCTCAAGGC[G>A]CTCAGCCTCCGAGTGCACCTTGTCCATGCGCTGCTGCAACACCTTCTGCTGCTGCTCCTG-3'
Protein context (NP_001351100.1, residues 386-406): RMDKVHSEAE[Arg396Cys]LEARFQDVRG

ClinVar aggregate classification (germline): Uncertain significance. Review status: criteria provided, multiple submitters, no conflicts (2 of 4 stars). 2 submissions from 2 submitters: Uncertain significance (2). Last evaluated 2025-08-21.

Conditions:
Primary ciliary dyskinesia. Also called: Ciliary dyskinesia. Identifiers: Orphanet 244, MedGen C0008780, MONDO:0016575, HP:0012265.

Allele frequency attached by ClinVar (database versions not stated): TOPMed 0.00004.
gnomAD v4.1: 58 of 1,613,238 alleles (0.0036%); highest among the groups gnomAD compares: South Asian, 0.031%; no homozygotes.

Submissions (2):

Ambry Genetics
Classification: Uncertain significance for Primary ciliary dyskinesia. Last evaluated: 2025-08-21. Review status: criteria provided, single submitter. Criteria: Ambry Variant Classification Scheme 2023. Collection method: clinical testing. Allele origin: germline.

Labcorp Genetics (formerly Invitae), Labcorp
Classification: Uncertain significance for Primary ciliary dyskinesia. Last evaluated: 2018-04-26. Review status: criteria provided, single submitter. Criteria: Invitae Variant Classification Sherloc (09022015). Collection method: clinical testing. Allele origin: germline.
Comment: In summary, the available evidence is currently insufficient to determine the role of this variant in disease. Therefore, it has been classified as a Variant of Uncertain Significance. Algorithms developed to predict the effect of missense changes on protein structure and function do not agree on the potential impact of this missense change (SIFT: "Deleterious"; PolyPhen-2: "Benign"; Align-GVGD: "Class C0"). This sequence change replaces arginine with cysteine at codon 359 of the CCDC114 protein (p.Arg359Cys). The arginine residue is weakly conserved and there is a large physicochemical difference between arginine and cysteine. This variant is present in population databases (rs373501045, ExAC 0.03%). This variant has not been reported in the literature in individuals with CCDC114-related disease.